The following is an entry in ClinVar:

ClinVar aggregate classification (germline): Uncertain significance (1 of 4 stars; one submission).

Conditions:
Intellectual disability-severe speech delay-mild dysmorphism syndrome (IDDLA). Also called: Mental retardation with language impairment and autistic features; Intellectual developmental disorder with language impairment AND with or without autistic features; FOXP1 Syndrome. Identifiers: Orphanet 391372, MedGen C4013764, MONDO:0013352, OMIM 613670.

gnomAD v4.1: 7 of 1,614,148 alleles (0.00043%); highest among the groups gnomAD compares: Non-Finnish European, 0.00059%; no homozygotes.

Submission:

MGZ Medical Genetics Center
Classification: Uncertain significance for Intellectual disability-severe speech delay-mild dysmorphism syndrome. Last evaluated: 2021-08-04. Review status: criteria provided, single submitter. Criteria: ACMG Guidelines, 2015. Collection method: clinical testing. Allele origin: germline. Affected: yes. Observed: 1 variant allele.
Comment: ACMG criteria applied: PM2_SUP, BP4

NM_001349338.3(FOXP1):c.1270A>G (p.Ile424Val)

Gene: FOXP1 (forkhead box P1; minus strand). Cytogenetic location: 3p13.
Variant type: single nucleotide variant.
Coding change: c.1270A>G on transcript NM_001349338.3 (MANE Select); coding-DNA position 1270, A replaced by G.
Protein change: p.Ile424Val; replaces isoleucine 424 with valine.
Molecular consequence: missense variant. On other transcripts: non-coding transcript variant (2).
Genome position (GRCh38, 1-based): chr3:70,977,906, T>C on the plus strand (A>G on the coding strand, the complement: FOXP1 is on the minus strand). VCF-style: chr3-70977906-T-C. GRCh37 (hg19) VCF-style: chr3-71027057-T-C.
Other names: c.1270A>G, p.Ile424Val (NM_001244808.3, NM_001244810.2, NM_001244814.3 and 4 more transcripts); c.1042A>G, p.Ile348Val (NM_001244812.3); c.970A>G, p.Ile324Val (NM_001244813.3, NM_001244815.2, NM_001349342.3 and 1 more transcripts); c.967A>G, p.Ile323Val (NM_001349337.2, NM_001349343.3, NM_001349344.3); c.1267A>G, p.Ile423Val (NM_001349341.3); short protein forms I323V, I324V, I348V, I423V, I424V.
Identifiers: ClinVar variation 1709892 (VCV001709892.2), dbSNP rs1375609020, ClinGen allele CA353493552.
Genomic context (GRCh38, chr3:70,977,906, plus strand): 5'-TGTATTTGTCTGAGTACCGCCTGCGGATGGGTCCCACCGTGTGCATGCTGGTGGTTGTGA[T>C]GACAGAGGGGCCTTGGGTGACGGGAGTCAGGGGGGCGGTTGGGGTCGTTGGAGTATGAGG-3'
Protein context (NP_001336267.1, residues 414-434): LTPVTQGPSV[Ile424Val]TTTSMHTVGP